The following is an entry in ClinVar:

NM_015599.3(PGM3):c.106G>C (p.Asp36His)

Gene: PGM3 (phosphoglucomutase 3; minus strand). Cytogenetic location: 6q14.1.
Variant type: single nucleotide variant.
Coding change: c.106G>C on transcript NM_015599.3 (MANE Select); coding-DNA position 106, G replaced by C.
Protein change: p.Asp36His; replaces aspartic acid 36 with histidine.
Molecular consequence: missense variant. On other transcripts: non-coding transcript variant (1), intron variant (1).
Genome position (GRCh38, 1-based): chr6:83,190,907, C>G on the plus strand (G>C on the coding strand, the complement: PGM3 is on the minus strand). VCF-style: chr6-83190907-C-G. GRCh37 (hg19) VCF-style: chr6-83900626-C-G.
Other names: c.190G>C (NM_001199917.1); c.190G>C, p.Asp64His (NM_001199917.2, NM_001367287.1); c.106G>C, p.Asp36His (NM_001199919.2, NM_001367286.1); c.-39-2109G>C (NM_001199918.2); short protein forms D36H, D64H.
Identifiers: ClinVar variation 2044501 (VCV002044501.3), dbSNP rs748290769, ClinGen allele CA3906888.
Genomic context (GRCh38, chr6:83,190,907, plus strand): 5'-TGGATTTTGTCTGTTTTGACCTCAGGACAGCTAATAATCCCATGCGAAACATGACATGAT[C>G]AAGATGTTCTGCCTTCGTTCGAAATCCAGCAGTCCCGTATTGAAGGATCAGTCCATTGGG-3'
Protein context (NP_056414.1, residues 26-46): AGFRTKAEHL[Asp36His]HVMFRMGLLA

ClinVar aggregate classification (germline): Uncertain significance. Review status: criteria provided, multiple submitters, no conflicts (2 of 4 stars). 3 submissions from 3 submitters: Uncertain significance (3). Last evaluated 2025-04-10.

Conditions:
Immunodeficiency 23 (IMD23). Also called: IMMUNODEFICIENCY WITH HYPER IgE AND COGNITIVE IMPAIRMENT; IMMUNODEFICIENCY-VASCULITIS-MYOCLONUS SYNDROME. Identifiers: Orphanet 443811, MedGen C4014371, MONDO:0014353, OMIM 615816.
Inborn genetic diseases. Identifiers: MedGen C0950123, MeSH D030342.

Allele frequency attached by ClinVar (database versions not stated): ExAC 0.00001; gnomAD exomes 0.00002; TOPMed 0.00002; gnomAD 0.00003.
gnomAD v4.1: 37 of 1,613,980 alleles (0.0023%); highest among the groups gnomAD compares: Non-Finnish European, 0.003%; no homozygotes.

Submissions (3):

Ambry Genetics
Classification: Uncertain significance for Inborn genetic diseases. Last evaluated: 2025-04-10. Review status: criteria provided, single submitter. Criteria: Ambry Variant Classification Scheme 2023. Collection method: clinical testing. Allele origin: germline.

Blueprint Genetics
Classification: Uncertain significance. Last evaluated: 2024-04-21. Review status: criteria provided, single submitter. Criteria: ACMG Guidelines, 2015. Collection method: clinical testing. Allele origin: germline.

Labcorp Genetics (formerly Invitae), Labcorp
Classification: Uncertain significance for Immunodeficiency 23. Last evaluated: 2022-06-17. Review status: criteria provided, single submitter. Criteria: Invitae Variant Classification Sherloc (09022015). Collection method: clinical testing. Allele origin: germline.
Comment: This sequence change replaces aspartic acid, which is acidic and polar, with histidine, which is basic and polar, at codon 64 of the PGM3 protein (p.Asp64His). This variant is present in population databases (rs748290769, gnomAD 0.002%). This variant has not been reported in the literature in individuals affected with PGM3-related conditions. Algorithms developed to predict the effect of missense changes on protein structure and function are either unavailable or do not agree on the potential impact of this missense change (SIFT: "Deleterious"; PolyPhen-2: "Possibly Damaging"; Align-GVGD: "Class C0"). In summary, the available evidence is currently insufficient to determine the role of this variant in disease. Therefore, it has been classified as a Variant of Uncertain Significance.